The following is an entry in ClinVar:

NM_000264.5(PTCH1):c.4087_4196del (p.Gly1363fs)

Gene: PTCH1 (patched 1; minus strand). Cytogenetic location: 9q22.32.
Variant type: Deletion.
Coding change: c.4087_4196del on transcript NM_000264.5 (MANE Select); coding-DNA positions 4087 to 4196, 110 bases deleted.
Protein change: p.Gly1363fs; shifts the reading frame from glycine 1363.
Molecular consequence: frameshift variant. On other transcripts: non-coding transcript variant (1).
Genome position (GRCh38, 1-based): chr9:95,447,060-95,447,169, 110 bases deleted. GRCh37 (hg19): chr9:98,209,347-98,209,456.
Other names: c.4087_4196del110 (NM_000264.3); c.3889_3998del, p.Gly1297fs (NM_001083602.3); c.4084_4193del, p.Gly1362fs (NM_001083603.3); c.3634_3743del, p.Gly1212fs (NM_001083604.3, NM_001083605.3, NM_001083606.3 and 1 more transcripts); c.3931_4040del, p.Gly1311fs (NM_001354918.2); short protein forms G1311fs, G1363fs, G1212fs, G1297fs, G1362fs.
Identifiers: ClinVar variation 3427223 (VCV003427223.1).

ClinVar aggregate classification (germline): Uncertain significance (1 of 4 stars; one submission).

Conditions:
Hereditary cancer-predisposing syndrome. Also called: Neoplastic Syndromes, Hereditary; Tumor predisposition; Hereditary Cancer Syndrome; Hereditary neoplastic syndrome. Identifiers: Orphanet 140162, MedGen C0027672, MeSH D009386, MONDO:0015356.

Submission:

Ambry Genetics
Classification: Uncertain significance for Hereditary cancer-predisposing syndrome. Last evaluated: 2024-11-26. Review status: criteria provided, single submitter. Criteria: Ambry Variant Classification Scheme 2023. Collection method: clinical testing. Allele origin: germline.
Comment: The c.4087_4196del110 variant, located in coding exon 23 of the PTCH1 gene, results from a deletion of 110 nucleotides at nucleotide positions 4087 to 4196, causing a translational frameshift with a predicted alternate stop codon (p.G1363Rfs*4). This alteration is expected to result in loss of function by premature protein truncation or nonsense-mediated mRNA decay. However, it occurs near the 3' terminus of PTCH1 where no known functional domains are located. Alterations in this region have been observed in individuals who do not have a personal or family history that is consistent with or suggestive of PTCH1-associated disease (Ambry internal data). Based on the available evidence, the clinical significance of this variant remains unclear.